The following is an entry in ClinVar:

NM_020987.5(ANK3):c.8A>T (p.His3Leu)

Gene: ANK3 (ankyrin 3; minus strand). Cytogenetic location: 10q21.2.
Variant type: single nucleotide variant.
Coding change: c.8A>T on transcript NM_020987.5 (MANE Select); coding-DNA position 8, A replaced by T.
Protein change: p.His3Leu; replaces histidine 3 with leucine.
Molecular consequence: missense variant. On other transcripts: intron variant (2).
Genome position (GRCh38, 1-based): chr10:60,389,531, T>A on the plus strand (A>T on the coding strand, the complement: ANK3 is on the minus strand). VCF-style: chr10-60389531-T-A. GRCh37 (hg19) VCF-style: chr10-62149289-T-A.
Other names: c.8A>T, p.His3Leu (NM_001320874.2); c.97-109892A>T (NM_001204403.2); c.64-109892A>T (NM_001204404.2); short protein forms H3L.
Identifiers: ClinVar variation 1476922 (VCV001476922.6), dbSNP rs2132869725, ClinGen allele CA377066712.

ClinVar aggregate classification (germline): Uncertain significance (1 of 4 stars; one submission).

Submission:

Labcorp Genetics (formerly Invitae), Labcorp
Classification: Uncertain significance. Last evaluated: 2021-09-10. Review status: criteria provided, single submitter. Criteria: Invitae Variant Classification Sherloc (09022015). Collection method: clinical testing. Allele origin: germline.
Comment: This variant is not present in population databases (ExAC no frequency). This variant has not been reported in the literature in individuals affected with ANK3-related conditions. This sequence change replaces histidine with leucine at codon 3 of the ANK3 protein (p.His3Leu). The histidine residue is weakly conserved and there is a moderate physicochemical difference between histidine and leucine. In summary, the available evidence is currently insufficient to determine the role of this variant in disease. Therefore, it has been classified as a Variant of Uncertain Significance. Algorithms developed to predict the effect of missense changes on protein structure and function are either unavailable or do not agree on the potential impact of this missense change (SIFT: "Not Available"; PolyPhen-2: "Benign"; Align-GVGD: "Not Available").